The following is an entry in ClinVar:

ClinVar aggregate classification (germline): Likely benign. Review status: criteria provided, single submitter (1 of 4 stars). 2 submissions from 2 submitters: Likely benign (1). 1 of the submissions does not count toward it. Last evaluated 2025-12-08.

Conditions:
Aicardi-Goutieres syndrome 6 (AGS6). Identifiers: Orphanet 51, MedGen C3539013, MONDO:0014007, OMIM 615010.
Symmetrical dyschromatosis of extremities (DSH). Also called: Dyschromatosis symmetrica hereditaria; DYSCHROMATOSIS SYMMETRICA HEREDITARIA 1; RETICULATE ACROPIGMENTATION OF DOHI; SYMMETRIC DYSCHROMATOSIS OF THE EXTREMITIES. Identifiers: Orphanet 41, MedGen C0406775, MONDO:0007483, OMIM 127400.
ADAR-related disorder. Also called: ADAR-related condition; ADAR-related disorders.

Allele frequency attached by ClinVar (database versions not stated): gnomAD 0.00001; gnomAD exomes 0.00001 and 0.00007; TOPMed 0.00002; ExAC 0.00005; 1000 Genomes Project 0.00040; 1000 Genomes Project 30x 0.00047.

Submissions (2):

Labcorp Genetics (formerly Invitae), Labcorp
Classification: Likely benign for Aicardi-Goutieres syndrome 6; Symmetrical dyschromatosis of extremities. Last evaluated: 2025-12-08. Review status: criteria provided, single submitter. Criteria: Invitae Variant Classification Sherloc (09022015). Collection method: clinical testing. Allele origin: germline.

PreventionGenetics, part of Exact Sciences
Classification: Likely benign for ADAR-related condition. Last evaluated: 2019-10-28. Review status: no assertion criteria provided. Collection method: clinical testing. Allele origin: germline. Not counted in ClinVar's aggregate classification.
Comment: This variant is classified as likely benign based on ACMG/AMP sequence variant interpretation guidelines (Richards et al. 2015 PMID: 25741868, with internal and published modifications).

NM_001111.5(ADAR):c.16-7T>A

Gene: ADAR (adenosine deaminase RNA specific; minus strand). Cytogenetic location: 1q21.3.
Variant type: single nucleotide variant.
Coding change: c.16-7T>A on transcript NM_001111.5 (MANE Select); 7 bases into the intron before coding-DNA position 16, T replaced by A.
Molecular consequence: intron variant.
Genome position (GRCh38, 1-based): chr1:154,602,633, A>T on the plus strand (T>A on the coding strand, the complement: ADAR is on the minus strand). VCF-style: chr1-154602633-A-T. GRCh37 (hg19) VCF-style: chr1-154575109-A-T.
Other names: c.-734-7T>A (NM_001365046.1, NM_001365049.1, NM_001365047.1); c.43-7T>A (NM_001365045.1); c.-870-7T>A (NM_001025107.3, NM_001365048.1, NM_001193495.2); c.16-7T>A (NM_015841.4, NM_015840.4).
Identifiers: ClinVar variation 705375 (VCV000705375.11), dbSNP rs190022999, ClinGen allele CA1131781.
Genomic context (GRCh38, chr1:154,602,633, plus strand): 5'-TCTGTGCTCATAGCCTTGAAATGGATGGGTGTAGTATCCGCTGAGGGAATACCCCTGCAG[A>T]ATAAGACAGTGGAAAAAGAAAATGAATTAGGGCTGCAGTGGTGAACCTGTGGAGGCCCCT-3'